The following is an entry in ClinVar:

ClinVar aggregate classification (germline): Likely benign. Review status: criteria provided, multiple submitters, no conflicts (2 of 4 stars). 5 submissions from 5 submitters: Likely benign (5). Last evaluated 2026-01-05.

Conditions:
Nephronophthisis 12 (NPHP12). Identifiers: Orphanet 655, MedGen C3151186, MONDO:0013442, OMIM 613820.
Asphyxiating thoracic dystrophy 4 (SRTD4). Also called: SHORT-RIB THORACIC DYSPLASIA 4 WITH OR WITHOUT POLYDACTYLY; SHORT-RIB THORACIC DYSPLASIA 4. Identifiers: Orphanet 474, MedGen C3151185, MONDO:0013441, OMIM 613819.
Nephronophthisis. Also called: Juvenile Nephronophthisis. Identifiers: Orphanet 655, MedGen C0687120, MONDO:0019005, HP:0000090.
Jeune thoracic dystrophy. Also called: Jeune syndrome; Infantile thoracic dystrophy; Thoracic pelvic phalangeal dystrophy; Jeune's syndrome; Chondroectodermal dysplasia-like syndrome; Short-rib thoracic dysplasia. Identifiers: Orphanet 474, MedGen C0265275, MONDO:0018770.

Allele frequency attached by ClinVar (database versions not stated): 1000 Genomes Project 0.00020; gnomAD 0.00020 and 0.00021; gnomAD exomes 0.00021 and 0.00025; ESP Exome Variant Server 0.00023; ExAC 0.00024; TOPMed 0.00025; 1000 Genomes Project 30x 0.00031.
gnomAD v4.1: 340 of 1,611,174 alleles (0.021%); highest among the groups gnomAD compares: Admixed American, 0.068%; no homozygotes.

Submissions (5):

Labcorp Genetics (formerly Invitae), Labcorp
Classification: Likely benign for Jeune thoracic dystrophy; Nephronophthisis. Last evaluated: 2026-01-05. Review status: criteria provided, single submitter. Criteria: Invitae Variant Classification Sherloc (09022015). Collection method: clinical testing. Allele origin: germline.

Blueprint Genetics
Classification: Likely benign. Last evaluated: 2024-11-07. Review status: criteria provided, single submitter. Criteria: ACMG Guidelines, 2015. Collection method: clinical testing. Allele origin: germline.

CeGaT Center for Human Genetics Tuebingen
Classification: Likely benign. Last evaluated: 2022-07-01. Review status: criteria provided, single submitter. Criteria: CeGaT Center For Human Genetics Tuebingen Variant Classification Criteria Version 2. Collection method: clinical testing. Allele origin: germline. Affected: yes. Observed: 1 variant allele.
Comment: TTC21B: BP4

Fulgent Genetics
Classification: Likely benign for Asphyxiating thoracic dystrophy 4; Nephronophthisis 12. Last evaluated: 2021-10-11. Review status: criteria provided, single submitter. Criteria: ACMG Guidelines, 2015. Collection method: clinical testing. Allele origin: unknown.

GeneDx
Classification: Likely benign. Last evaluated: 2021-05-14. Review status: criteria provided, single submitter. Criteria: GeneDx Variant Classification Process June 2021. Collection method: clinical testing. Allele origin: germline. Affected: yes.

NM_024753.5(TTC21B):c.468A>G (p.Gly156=)

Genes: TTC21B (tetratricopeptide repeat domain 21B; minus strand), TTC21B-AS1 (TTC21B antisense RNA 1; plus strand). Cytogenetic location: 2q24.3.
Variant type: single nucleotide variant.
Coding change: c.468A>G on transcript NM_024753.5 (MANE Select); coding-DNA position 468, A replaced by G.
Protein change: p.Gly156=; no amino-acid change (glycine 156 retained).
Molecular consequence: synonymous variant.
Genome position (GRCh38, 1-based): chr2:165,943,303, T>C on the plus strand (A>G on the coding strand, the complement: TTC21B is on the minus strand). VCF-style: chr2-165943303-T-C. GRCh37 (hg19) VCF-style: chr2-166799813-T-C.
Identifiers: ClinVar variation 669097 (VCV000669097.38), dbSNP rs139457042, ClinGen allele CA1942428.
Genomic context (GRCh38, chr2:165,943,303, plus strand): 5'-ATTCCCATCTTGGAGTCCCTCTTCAAAATACTTCAGTGCTTTTTTAGTGTAAGGCTCTTT[T>C]CCTCTTGTAATATCAAGCCATGCTTTCAAAACGTGTCCCTGTAAAATGAATAATTCTATT-3'
Protein context (NP_079029.3, residues 146-166): VLKAWLDITR[Gly156=]KEPYTKKALK